The following is an entry in ClinVar:

NM_001035.3(RYR2):c.3370C>T (p.Pro1124Ser)

Gene: RYR2 (ryanodine receptor 2; plus strand). Cytogenetic location: 1q43.
Variant type: single nucleotide variant.
Coding change: c.3370C>T on transcript NM_001035.3 (MANE Select); coding-DNA position 3370, C replaced by T.
Protein change: p.Pro1124Ser; replaces proline 1124 with serine.
Molecular consequence: missense variant.
Genome position (GRCh38, 1-based): chr1:237,566,722, C>T. VCF-style: chr1-237566722-C-T. GRCh37 (hg19) VCF-style: chr1-237730022-C-T.
Other names: short protein forms P1124S.
Identifiers: ClinVar variation 1356700 (VCV001356700.9), dbSNP rs2148253003, ClinGen allele CA345398693.
Genomic context (GRCh38, chr1:237,566,722, plus strand): 5'-GAATTTGAGACGGTCACTGCTGGAGACATGAGGGTTGGTTGGAGTCGTCCTGGTTGTCAA[C>T]CGGATCAGGAGCTTGGCTCAGATGAACGTGCCTTTGCCTTTGATGGCTTCAAGGTGAGTG-3'
Protein context (NP_001026.2, residues 1114-1134): RVGWSRPGCQ[Pro1124Ser]DQELGSDERA

ClinVar aggregate classification (germline): Uncertain significance (1 of 4 stars; one submission).

Conditions:
Catecholaminergic polymorphic ventricular tachycardia 1. Also called: RYR2-Related Catecholaminergic Polymorphic Ventricular Tachycardia; VENTRICULAR TACHYCARDIA, CATECHOLAMINERGIC POLYMORPHIC, 1, WITH OR WITHOUT ATRIAL DYSFUNCTION AND/OR DILATED CARDIOMYOPATHY; VENTRICULAR TACHYCARDIA, STRESS-INDUCED POLYMORPHIC 1. Identifiers: Orphanet 3286, MedGen C1631597, MONDO:0011484, OMIM 604772.

Allele frequency attached by ClinVar (database versions not stated): 1000 Genomes Project 30x 0.00016.
gnomAD v4.1: 1 of 1,613,986 alleles (0.000062%); highest among the groups gnomAD compares: South Asian, 0.0011%; no homozygotes.

Submission:

Labcorp Genetics (formerly Invitae), Labcorp
Classification: Uncertain significance for Catecholaminergic polymorphic ventricular tachycardia 1. Last evaluated: 2020-12-16. Review status: criteria provided, single submitter. Criteria: Invitae Variant Classification Sherloc (09022015). Collection method: clinical testing. Allele origin: germline.
Comment: This sequence change replaces proline with serine at codon 1124 of the RYR2 protein (p.Pro1124Ser). The proline residue is highly conserved and there is a moderate physicochemical difference between proline and serine. This variant is not present in population databases (ExAC no frequency). This variant has not been reported in the literature in individuals with RYR2-related conditions. Advanced modeling of protein sequence and biophysical properties (such as structural, functional, and spatial information, amino acid conservation, physicochemical variation, residue mobility, and thermodynamic stability) performed at Invitae indicates that this missense variant is not expected to disrupt RYR2 protein function. In summary, the available evidence is currently insufficient to determine the role of this variant in disease. Therefore, it has been classified as a Variant of Uncertain Significance.